The following is an entry in ClinVar:

NM_000271.5(NPC1):c.1274C>T (p.Ser425Leu)

Gene: NPC1 (NPC intracellular cholesterol transporter 1; minus strand). Cytogenetic location: 18q11.2.
Variant type: single nucleotide variant.
Coding change: c.1274C>T on transcript NM_000271.5 (MANE Select); coding-DNA position 1274, C replaced by T.
Protein change: p.Ser425Leu; replaces serine 425 with leucine.
Molecular consequence: missense variant.
Genome position (GRCh38, 1-based): chr18:23,556,295, G>A on the plus strand (C>T on the coding strand, the complement: NPC1 is on the minus strand). VCF-style: chr18-23556295-G-A. GRCh37 (hg19) VCF-style: chr18-21136259-G-A.
Other names: c.1274C>T (NM_000271.4); short protein forms S425L.
Identifiers: ClinVar variation 1209615 (VCV001209615.12), dbSNP rs140149624, ClinGen allele CA8913505.

ClinVar aggregate classification (germline): Uncertain significance. Review status: criteria provided, multiple submitters, no conflicts (2 of 4 stars). 6 submissions from 6 submitters: Uncertain significance (6). Last evaluated 2026-06-10.

Conditions:
NPC1-related disorder. Also called: NPC1-related condition.
Niemann-Pick disease, type C1. Also called: NIEMANN-PICK DISEASE, VARIANT TYPE C1; NEUROVISCERAL STORAGE DISEASE WITH VERTICAL SUPRANUCLEAR OPHTHALMOPLEGIA; NIEMANN-PICK DISEASE WITH CHOLESTEROL ESTERIFICATION BLOCK; NIEMANN-PICK DISEASE WITHOUT SPHINGOMYELINASE DEFICIENCY; NIEMANN-PICK DISEASE, CHRONIC NEURONOPATHIC FORM. Identifiers: Orphanet 646, MedGen C3179455, MONDO:0009757, OMIM 257220.
Inborn genetic diseases. Identifiers: MedGen C0950123, MeSH D030342.

Allele frequency attached by ClinVar (database versions not stated): gnomAD exomes 0.00001; ExAC 0.00003; ESP Exome Variant Server 0.00008; gnomAD 0.00011 and 0.00014; TOPMed 0.00025.
gnomAD v4.1: 44 of 1,613,964 alleles (0.0027%); highest among the groups gnomAD compares: Admixed American, 0.027%; no homozygotes.

Submissions (6):

Ambry Genetics
Classification: Uncertain significance for Inborn genetic diseases. Last evaluated: 2026-06-10. Review status: criteria provided, single submitter. Criteria: Ambry Variant Classification Scheme 2023. Collection method: clinical testing. Allele origin: germline.
Comment: The c.1274C>T (p.S425L) alteration is located in exon 8 (coding exon 8) of the NPC1 gene. This alteration results from a C to T substitution at nucleotide position 1274, causing the serine (S) at amino acid position 425 to be replaced by a leucine (L). Based on data from gnomAD, the T allele has an overall frequency of 0.002% (5/282778) total alleles studied. The highest observed frequency was 0.014% (1/7224) of Other alleles. Based on insufficient or conflicting evidence, the clinical significance of this alteration remains unclear.

GeneDx
Classification: Uncertain significance. Last evaluated: 2026-05-23. Review status: criteria provided, single submitter. Criteria: GeneDx Variant Classification Process June 2021. Collection method: clinical testing. Allele origin: germline.
Comment: Not observed at significant frequency in large population cohorts (gnomAD); In silico analysis supports that this missense variant has a deleterious effect on protein structure/function; Has not been previously published as pathogenic or benign to our knowledge; This variant is associated with the following publications: (PMID: 32986692, 30010949, 41207529)

PreventionGenetics, part of Exact Sciences
Classification: Uncertain significance for NPC1-related condition. Last evaluated: 2026-04-22. Review status: criteria provided, single submitter. Criteria: ACMG Guidelines, 2015. Collection method: clinical testing. Allele origin: germline.
Comment: The NPC1 c.1274C>T variant is predicted to result in the amino acid substitution p.Ser425Leu. To our knowledge, this variant has not been reported in the literature. This variant is reported in 0.0080% of alleles in individuals of African descent in gnomAD. At this time, the clinical significance of this variant is uncertain due to the absence of conclusive functional and genetic evidence.

Labcorp Genetics (formerly Invitae), Labcorp
Classification: Uncertain significance for Niemann-Pick disease, type C1. Last evaluated: 2022-10-14. Review status: criteria provided, single submitter. Criteria: Invitae Variant Classification Sherloc (09022015). Collection method: clinical testing. Allele origin: germline.
Comment: This sequence change replaces serine, which is neutral and polar, with leucine, which is neutral and non-polar, at codon 425 of the NPC1 protein (p.Ser425Leu). This variant is present in population databases (rs140149624, gnomAD 0.01%). This variant has not been reported in the literature in individuals affected with NPC1-related conditions. ClinVar contains an entry for this variant (Variation ID: 1209615). Advanced modeling of protein sequence and biophysical properties (such as structural, functional, and spatial information, amino acid conservation, physicochemical variation, residue mobility, and thermodynamic stability) performed at Invitae indicates that this missense variant is not expected to disrupt NPC1 protein function. In summary, the available evidence is currently insufficient to determine the role of this variant in disease. Therefore, it has been classified as a Variant of Uncertain Significance.

Genome-Nilou Lab
Classification: Uncertain significance for Niemann-Pick disease, type C1. Last evaluated: 2021-07-14. Review status: criteria provided, single submitter. Criteria: ACMG Guidelines, 2015. Collection method: clinical testing. Allele origin: germline. Affected: no.

Fulgent Genetics
Classification: Uncertain significance for Niemann-Pick disease, type C1. Last evaluated: 2021-07-09. Review status: criteria provided, single submitter. Criteria: ACMG Guidelines, 2015. Collection method: clinical testing. Allele origin: unknown.